The following is an entry in ClinVar:

NM_001320870.2(SLC25A35):c.183C>A (p.Ala61=)

Gene: SLC25A35 (solute carrier family 25 member 35; minus strand). Cytogenetic location: 17p13.1.
Variant type: single nucleotide variant.
Coding change: c.183C>A on transcript NM_001320870.2 (MANE Select); coding-DNA position 183, C replaced by A.
Protein change: p.Ala61=; no amino-acid change (alanine 61 retained).
Molecular consequence: synonymous variant. On other transcripts: non-coding transcript variant (2).
Genome position (GRCh38, 1-based): chr17:8,294,625, G>T on the plus strand (C>A on the coding strand, the complement: SLC25A35 is on the minus strand). VCF-style: chr17-8294625-G-T. GRCh37 (hg19) VCF-style: chr17-8197943-G-T.
Other names: c.183C>A, p.Ala61= (NM_001320871.2, NM_001320872.2, NM_001320877.2 and 1 more transcripts).
Identifiers: ClinVar variation 3234326 (VCV003234326.20), dbSNP rs1990744356, ClinGen allele CA497961808.

ClinVar aggregate classification (germline): Likely benign (1 of 4 stars; one submission).

gnomAD v4.1: 1 of 1,614,184 alleles (0.000062%); highest among the groups gnomAD compares: Non-Finnish European, 0.000085%; no homozygotes.

Submission:

CeGaT Center for Human Genetics Tuebingen
Classification: Likely benign. Last evaluated: 2024-03-01. Review status: criteria provided, single submitter. Criteria: CeGaT Center For Human Genetics Tuebingen Variant Classification Criteria Version 2. Collection method: clinical testing. Allele origin: germline. Affected: yes. Observed: 1 variant allele.
Comment: SLC25A35: PM2:Supporting, BP4, BP7